The following is an entry in ClinVar:

ClinVar aggregate classification (germline): Benign. Review status: criteria provided, multiple submitters, no conflicts (2 of 4 stars). 2 submissions from 2 submitters: Benign (2). Last evaluated 2018-06-14.

Allele frequency attached by ClinVar (database versions not stated): TOPMed 0.11304; 1000 Genomes Project 30x 0.09728; 1000 Genomes Project 0.10024.
gnomAD v4.1: 238,738 of 1,599,440 alleles (15%); highest among the groups gnomAD compares: South Asian, 16%; 18,852 homozygotes.

Submissions (2):

GeneDx
Classification: Benign. Last evaluated: 2018-06-14. Review status: criteria provided, single submitter. Criteria: GeneDx Variant Classification (06012015). Collection method: clinical testing. Allele origin: germline. Affected: yes.
Comment: This variant is considered likely benign or benign based on one or more of the following criteria: it is a conservative change, it occurs at a poorly conserved position in the protein, it is predicted to be benign by multiple in silico algorithms, and/or has population frequency not consistent with disease.

Breakthrough Genomics
Classification: Benign. Review status: criteria provided, single submitter. Criteria: ACMG Guidelines, 2015. Collection method: not provided. Allele origin: germline. Inheritance: Autosomal recessive inheritance. Affected: yes.

NM_004544.4(NDUFA10):c.1000-88G>C

Gene: NDUFA10 (NADH:ubiquinone oxidoreductase subunit A10; minus strand). Cytogenetic location: 2q37.3.
Variant type: single nucleotide variant.
Coding change: c.1000-88G>C on transcript NM_004544.4 (MANE Select); 88 bases into the intron before coding-DNA position 1000, G replaced by C.
Molecular consequence: intron variant.
Genome position (GRCh38, 1-based): chr2:239,961,274, C>G on the plus strand (G>C on the coding strand, the complement: NDUFA10 is on the minus strand). VCF-style: chr2-239961274-C-G. GRCh37 (hg19) VCF-style: chr2-240900691-C-G.
Other names: c.891-88G>C (NM_001322020.2).
Identifiers: ClinVar variation 676156 (VCV000676156.2), dbSNP rs4077387, ClinGen allele CA11052529.
Genomic context (GRCh38, chr2:239,961,274, plus strand): 5'-TCTGTTTAACGTGAATGAATGTTTCCCCAGCTCATAGTTCAATGTCTACCCGGCAGATGC[C>G]TGTACTTCATGAGTTCCTTCAGCAATGCTGGTGAGCACATGATCTGTGGCAGGTGTCTCC-3'